The following is an entry in ClinVar:

NM_002210.5(ITGAV):c.3090A>G (p.Glu1030=)

Genes: FAM171B-AS1 (FAM171B and ITGAV antisense RNA 1; minus strand), ITGAV (integrin subunit alpha V; plus strand). Cytogenetic location: 2q32.1.
Variant type: single nucleotide variant.
Coding change: c.3090A>G on transcript NM_002210.5 (MANE Select); coding-DNA position 3090, A replaced by G.
Protein change: p.Glu1030=; no amino-acid change (glutamic acid 1030 retained).
Molecular consequence: synonymous variant.
Genome position (GRCh38, 1-based): chr2:186,677,235, A>G. VCF-style: chr2-186677235-A-G. GRCh37 (hg19) VCF-style: chr2-187541962-A-G.
Other names: c.2952A>G, p.Glu984= (NM_001144999.3); c.2982A>G, p.Glu994= (NM_001145000.3).
Identifiers: ClinVar variation 3053056 (VCV003053056.2), dbSNP rs1374520480, ClinGen allele CA430307903.

ClinVar aggregate classification (germline): Likely benign (0 of 4 stars; one submission).

Conditions:
ITGAV-related disorder. Also called: ITGAV-related condition.

Allele frequency attached by ClinVar (database versions not stated): gnomAD exomes below 0.00001.
gnomAD v4.1: 3 of 1,613,884 alleles (0.00019%); highest among the groups gnomAD compares: African/African-American, 0.0013%; no homozygotes.

Submission:

PreventionGenetics, part of Exact Sciences
Classification: Likely benign for ITGAV-related condition. Last evaluated: 2022-11-22. Review status: no assertion criteria provided. Collection method: clinical testing. Allele origin: germline.
Comment: This variant is classified as likely benign based on ACMG/AMP sequence variant interpretation guidelines (Richards et al. 2015 PMID: 25741868, with internal and published modifications).